The following is an entry in ClinVar:

ClinVar aggregate classification (germline): Conflicting classifications of pathogenicity. Review status: criteria provided, conflicting classifications (1 of 4 stars). 2 submissions from 2 submitters: Likely pathogenic (1); Uncertain significance (1). Last evaluated 2026-07-09.

Allele frequency attached by ClinVar (database versions not stated): gnomAD exomes below 0.00001.
gnomAD v4.1: 3 of 1,601,816 alleles (0.00019%); highest among the groups gnomAD compares: Admixed American, 0.0052%; no homozygotes.

Submissions (2):

GeneDx
Classification: Uncertain significance. Last evaluated: 2026-07-09. Review status: criteria provided, single submitter. Criteria: GeneDx Variant Classification Process June 2021. Collection method: clinical testing. Allele origin: germline.
Comment: Canonical splice site variant predicted to result in an in-frame loss of the adjacent exon in a gene for which loss of function is a known mechanism of disease; Has not been previously published as pathogenic or benign to our knowledge

Labcorp Genetics (formerly Invitae), Labcorp
Classification: Likely pathogenic. Last evaluated: 2023-06-17. Review status: criteria provided, single submitter. Criteria: Invitae Variant Classification Sherloc (09022015). Collection method: clinical testing. Allele origin: germline.
Comment: In summary, the currently available evidence indicates that the variant is pathogenic, but additional data are needed to prove that conclusively. Therefore, this variant has been classified as Likely Pathogenic. Algorithms developed to predict the effect of sequence changes on RNA splicing suggest that this variant may disrupt the consensus splice site. This variant has not been reported in the literature in individuals affected with SLC12A2-related conditions. The frequency data for this variant in the population databases is considered unreliable, as metrics indicate poor data quality at this position in the gnomAD database. This sequence change affects an acceptor splice site in intron 1 of the SLC12A2 gene. It is expected to disrupt RNA splicing. Variants that disrupt the donor or acceptor splice site typically lead to a loss of protein function (PMID: 16199547), and loss-of-function variants in SLC12A2 are known to be pathogenic (PMID: 28940097, 30740830, 32754646).

Literature cited by the submitters: PubMed 16199547 (cited by Labcorp Genetics (formerly Invitae), Labcorp); PubMed 28940097 (cited by Labcorp Genetics (formerly Invitae), Labcorp); PubMed 30740830 (cited by Labcorp Genetics (formerly Invitae), Labcorp); PubMed 32754646 (cited by Labcorp Genetics (formerly Invitae), Labcorp).

NM_001046.3(SLC12A2):c.757-2A>G

Gene: SLC12A2 (solute carrier family 12 member 2; plus strand). Cytogenetic location: 5q23.3.
Variant type: single nucleotide variant.
Coding change: c.757-2A>G on transcript NM_001046.3 (MANE Select); the canonical splice acceptor site of the intron before coding-DNA position 757, A replaced by G.
Molecular consequence: splice acceptor variant.
Genome position (GRCh38, 1-based): chr5:128,112,812, A>G. VCF-style: chr5-128112812-A-G. GRCh37 (hg19) VCF-style: chr5-127448504-A-G.
Other names: c.757-2A>G (NM_001256461.2).
Identifiers: ClinVar variation 2990570 (VCV002990570.5), dbSNP rs1189842719, ClinGen allele CA360737642.